The following is an entry in ClinVar:

ClinVar aggregate classification (germline): Uncertain significance (1 of 4 stars; one submission).

Allele frequency attached by ClinVar (database versions not stated): gnomAD exomes below 0.00001; gnomAD 0.00001.
gnomAD v4.1: 2 of 1,613,530 alleles (0.00012%); highest among the groups gnomAD compares: African/African-American, 0.0027%; no homozygotes.

Submission:

Labcorp Genetics (formerly Invitae), Labcorp
Classification: Uncertain significance. Last evaluated: 2022-04-04. Review status: criteria provided, single submitter. Criteria: Invitae Variant Classification Sherloc (09022015). Collection method: clinical testing. Allele origin: germline.
Comment: This sequence change replaces proline, which is neutral and non-polar, with serine, which is neutral and polar, at codon 565 of the FNIP1 protein (p.Pro565Ser). This variant is present in population databases (no rsID available, gnomAD 0.01%). In summary, the available evidence is currently insufficient to determine the role of this variant in disease. Therefore, it has been classified as a Variant of Uncertain Significance. Algorithms developed to predict the effect of missense changes on protein structure and function (SIFT, PolyPhen-2, Align-GVGD) all suggest that this variant is likely to be tolerated. This variant has not been reported in the literature in individuals affected with FNIP1-related conditions.

NM_133372.3(FNIP1):c.1693C>T (p.Pro565Ser)

Gene: FNIP1 (folliculin interacting protein 1; minus strand). Cytogenetic location: 5q31.1.
Variant type: single nucleotide variant.
Coding change: c.1693C>T on transcript NM_133372.3 (MANE Select); coding-DNA position 1693, C replaced by T.
Protein change: p.Pro565Ser; replaces proline 565 with serine.
Molecular consequence: missense variant.
Genome position (GRCh38, 1-based): chr5:131,672,751, G>A on the plus strand (C>T on the coding strand, the complement: FNIP1 is on the minus strand). VCF-style: chr5-131672751-G-A. GRCh37 (hg19) VCF-style: chr5-131008444-G-A.
Other names: c.1558C>T, p.Pro520Ser (NM_001346114.2); c.1609C>T, p.Pro537Ser (NM_001008738.3); short protein forms P520S, P537S, P565S.
Identifiers: ClinVar variation 2194286 (VCV002194286.4), dbSNP rs1490327563, ClinGen allele CA360793634.